The following is an entry in ClinVar:

NM_000388.4(CASR):c.2215T>C (p.Cys739Arg)

Gene: CASR (calcium sensing receptor; plus strand). Cytogenetic location: 3q21.1.
Variant type: single nucleotide variant.
Coding change: c.2215T>C on transcript NM_000388.4 (MANE Select); coding-DNA position 2215, T replaced by C.
Protein change: p.Cys739Arg; replaces cysteine 739 with arginine.
Molecular consequence: missense variant.
Genome position (GRCh38, 1-based): chr3:122,284,169, T>C. VCF-style: chr3-122284169-T-C. GRCh37 (hg19) VCF-style: chr3-122003016-T-C.
Other names: c.2245T>C, p.Cys749Arg (NM_001178065.2); short protein forms C739R, C749R.
Identifiers: ClinVar variation 3759464 (VCV003759464.2).

ClinVar aggregate classification (germline): Uncertain significance (1 of 4 stars; one submission).

Conditions:
Autosomal dominant hypocalcemia 1 (HYPOC1). Also called: HYPOCALCEMIA, FAMILIAL. Identifiers: MedGen C3715128, MONDO:0011013, OMIM 601198.
Familial hypocalciuric hypercalcemia (FHH). Also called: Familial benign hypercalcemia. Identifiers: Orphanet 405, MedGen C1809471, MONDO:0018458.

Submission:

Labcorp Genetics (formerly Invitae), Labcorp
Classification: Uncertain significance for Familial hypocalciuric hypercalcemia; Autosomal dominant hypocalcemia 1. Last evaluated: 2024-10-15. Review status: criteria provided, single submitter. Criteria: Invitae Variant Classification Sherloc (09022015). Collection method: clinical testing. Allele origin: germline.
Comment: This sequence change replaces cysteine, which is neutral and slightly polar, with arginine, which is basic and polar, at codon 739 of the CASR protein (p.Cys739Arg). This variant is not present in population databases (gnomAD no frequency). This variant has not been reported in the literature in individuals affected with CASR-related conditions. An algorithm developed to predict the effect of missense changes on protein structure and function (PolyPhen-2) suggests that this variant is likely to be disruptive. In summary, the available evidence is currently insufficient to determine the role of this variant in disease. Therefore, it has been classified as a Variant of Uncertain Significance.